The following is an entry in ClinVar:

NM_000383.4(AIRE):c.740G>A (p.Arg247His)

Gene: AIRE (autoimmune regulator; plus strand). Cytogenetic location: 21q22.3.
Variant type: single nucleotide variant.
Coding change: c.740G>A on transcript NM_000383.4 (MANE Select); coding-DNA position 740, G replaced by A.
Protein change: p.Arg247His; replaces arginine 247 with histidine.
Molecular consequence: missense variant.
Genome position (GRCh38, 1-based): chr21:44,289,744, G>A. VCF-style: chr21-44289744-G-A. GRCh37 (hg19) VCF-style: chr21-45709627-G-A.
Other names: c.740G>A (NM_000383.2); short protein forms R247H.
Identifiers: ClinVar variation 1412681 (VCV001412681.7), dbSNP rs763487370, ClinGen allele CA10051695.
Genomic context (GRCh38, chr21:44,289,744, plus strand): 5'-GCGGGGAGTTCTACACTCCCAGCAAGTTCGAAGACTCCGGCAGTGGGAAGAACAAGGCCC[G>A]CAGCAGCAGTGGCCCGAAGCCTCTGGTTCGAGCCAAGGGAGCCCAGGGCGCTGCCCCCGT-3'
Protein context (NP_000374.1, residues 237-257): EDSGSGKNKA[Arg247His]SSSGPKPLVR

ClinVar aggregate classification (germline): Conflicting classifications of pathogenicity. Review status: criteria provided, conflicting classifications (1 of 4 stars). 2 submissions from 2 submitters: Uncertain significance (1); Likely benign (1). Last evaluated 2025-09-08.

Conditions:
Polyglandular autoimmune syndrome, type 1 (APS1). Also called: PGA I; APS I; Autoimmune polyendocrine syndrome type 1; Autoimmune polyendocrinopathy syndrome, type I; Autoimmune polyendocrinopathy syndrome , type I, with or without reversible metaphyseal dysplasia; AUTOIMMUNE POLYENDOCRINE SYNDROME, TYPE I, WITH OR WITHOUT REVERSIBLE METAPHYSEAL DYSPLASIA. Identifiers: Orphanet 3453, MedGen C0085859, MONDO:0009411, OMIM 240300.

Allele frequency attached by ClinVar (database versions not stated): gnomAD 0.00003 and 0.00004; TOPMed 0.00004; gnomAD exomes 0.00016; ExAC 0.00019.
gnomAD v4.1: 69 of 1,612,674 alleles (0.0043%); highest among the groups gnomAD compares: Admixed American, 0.067%; 1 homozygote.

Submissions (2):

Labcorp Genetics (formerly Invitae), Labcorp
Classification: Likely benign for Polyglandular autoimmune syndrome, type 1. Last evaluated: 2025-09-08. Review status: criteria provided, single submitter. Criteria: Invitae Variant Classification Sherloc (09022015). Collection method: clinical testing. Allele origin: germline.

GeneDx
Classification: Uncertain significance. Last evaluated: 2025-06-04. Review status: criteria provided, single submitter. Criteria: GeneDx Variant Classification Process June 2021. Collection method: clinical testing. Allele origin: germline. Affected: yes.
Comment: In silico analysis suggests that this missense variant does not alter protein structure/function; Has not been previously published as pathogenic or benign to our knowledge